The following is an entry in ClinVar:

NM_000393.5(COL5A2):c.322+1G>C

Gene: COL5A2 (collagen type V alpha 2 chain; minus strand). Cytogenetic location: 2q32.2.
Variant type: single nucleotide variant.
Coding change: c.322+1G>C on transcript NM_000393.5 (MANE Select); the canonical splice donor site of the intron after coding-DNA position 322, G replaced by C.
Molecular consequence: splice donor variant.
Genome position (GRCh38, 1-based): chr2:189,110,224, C>G on the plus strand (G>C on the coding strand, the complement: COL5A2 is on the minus strand). VCF-style: chr2-189110224-C-G. GRCh37 (hg19) VCF-style: chr2-189974950-C-G.
Identifiers: ClinVar variation 213136 (VCV000213136.14), dbSNP rs770598613, ClinGen allele CA320624.

ClinVar aggregate classification (germline): Conflicting classifications of pathogenicity. Review status: criteria provided, conflicting classifications (1 of 4 stars). 5 submissions from 5 submitters: Likely pathogenic (2); Uncertain significance (3). Last evaluated 2026-09-18.

Conditions:
Ehlers-Danlos syndrome, classic type, 1 (EDSCL1). Also called: Ehlers-Danlos syndrome, type 1; Ehlers-Danlos Syndrome, Classic Type, COL5A1-Related; EDS I; EHLERS-DANLOS SYNDROME, GRAVIS TYPE; EHLERS-DANLOS SYNDROME, SEVERE CLASSIC TYPE. Identifiers: MedGen C0268335, MONDO:0019567, OMIM 130000.
COL5A2-related disorders.
Familial thoracic aortic aneurysm and aortic dissection (TAAD). Also called: Thoracic aortic aneurysms and dissections. Identifiers: Orphanet 91387, MedGen C4707243, MONDO:0019625.
Aortic dissection. Identifiers: MedGen C0340643, HP:0002647.

Allele frequency attached by ClinVar (database versions not stated): TOPMed 0.00002; ExAC 0.00008; gnomAD exomes 0.00007; gnomAD 0.00013 and 0.00014.

Submissions (6):

MVZ Martinsried, Medicover Genetics
Classification: Uncertain significance for Aortic dissection. Last evaluated: 2026-09-18. Review status: criteria provided, single submitter. Criteria: ClinGen Variant Curation SOP V3.2 + Classification Guidance July2025. Collection method: clinical testing. Allele origin: unknown. Affected: yes. Observed: 1 heterozygote.

Ambry Genetics
Classification: Uncertain significance for Familial thoracic aortic aneurysm and aortic dissection. Last evaluated: 2026-05-22. Review status: criteria provided, single submitter. Criteria: Ambry Variant Classification Scheme 2023. Collection method: clinical testing. Allele origin: germline.
Comment: The c.322+1G>C intronic variant results from a G to C substitution one nucleotide after coding exon 2 of the COL5A2 gene. This variant was detected in a cohort of individuals with intracranial aneurysm; however, details were limited (Kurtelius A et al. J Am Heart Assoc. 2019 Sep;8(18):e013277). This nucleotide position is highly conserved in available vertebrate species. In silico splice site analysis predicts that this alteration will weaken the native splice donor site. Variants that disrupt the canonical splice site are expected to cause aberrant splicing, resulting in an abnormal protein or a transcript that is subject to nonsense-mediated mRNA decay. However, loss of function has not been clearly established as a mechanism of disease. Based on data from gnomAD, the frequency for this variant is above the maximum credible frequency for a disease-causing variant in this gene based on internally established thresholds (Karczewski et al. Nature. 2020 May;581(7809):434-443; Whiffin et al. Genet Med. 2017 10;19:1151-1158). Based on the available evidence, the clinical significance of this variant remains unclear.

Blueprint Genetics
Classification: Likely pathogenic for COL5A2-related disorders. Last evaluated: 2024-09-15. Review status: criteria provided, single submitter. Criteria: ACMG Guidelines, 2015. Collection method: clinical testing. Allele origin: germline. Affected: yes. Observed: 5 variant alleles.

Labcorp Genetics (formerly Invitae), Labcorp
Classification: Likely pathogenic for Ehlers-Danlos syndrome, classic type, 1. Last evaluated: 2023-09-06. Review status: criteria provided, single submitter. Criteria: Invitae Variant Classification Sherloc (09022015). Collection method: clinical testing. Allele origin: germline.
Comment: In summary, the currently available evidence indicates that the variant is pathogenic, but additional data are needed to prove that conclusively. Therefore, this variant has been classified as Likely Pathogenic. This sequence change affects a donor splice site in intron 2 of the COL5A2 gene. It is expected to disrupt RNA splicing. Variants that disrupt the donor or acceptor splice site typically lead to a loss of protein function (PMID: 16199547), and loss-of-function variants in COL5A2 are known to be pathogenic (PMID: 23587214). This variant is present in population databases (rs770598613, gnomAD 0.05%), and has an allele count higher than expected for a pathogenic variant. Disruption of this splice site has been observed in individual(s) with intracranial aneurysm (PMID: 31538843). ClinVar contains an entry for this variant (Variation ID: 213136). Algorithms developed to predict the effect of sequence changes on RNA splicing suggest that this variant may disrupt the consensus splice site.

GeneDx
Classification: Uncertain significance. Last evaluated: 2022-04-12. Review status: criteria provided, single submitter. Criteria: GeneDx Variant Classification Process June 2021. Collection method: clinical testing. Allele origin: germline. Affected: yes.
Comment: Canonical splice site variant expected to result in aberrant splicing, although in the absence of functional evidence the actual effect of this sequence change is unknown; This variant is associated with the following publications: (PMID: 31538843)

Dr. Peter K. Rogan Lab, Western University
No classification provided (evidence only). Condition: Sarcoma. Review status: no classification provided. Collection method: in vitro. Allele origin: not applicable. Functional consequence: skipped exon, retained intron. Not counted in ClinVar's aggregate classification.

Literature cited by the submitters: PubMed 31538843 (cited by Ambry Genetics and Labcorp Genetics (formerly Invitae), Labcorp); PubMed 16199547 (cited by Labcorp Genetics (formerly Invitae), Labcorp); PubMed 23587214 (cited by Labcorp Genetics (formerly Invitae), Labcorp).